The following is an entry in ClinVar:

ClinVar aggregate classification (germline): Benign/Likely benign. Review status: criteria provided, multiple submitters, no conflicts (2 of 4 stars). 7 submissions from 7 submitters: Benign (1); Likely benign (3). 3 of the submissions do not count toward it. Last evaluated 2025-11-30.

Conditions:
LAMA1-related disorder. Also called: LAMA1-related disorders; LAMA1-related condition.

Allele frequency attached by ClinVar (database versions not stated): ESP Exome Variant Server 0.00015; 1000 Genomes Project 30x 0.00016; TOPMed 0.00029; ExAC 0.00050; gnomAD exomes 0.00053 and 0.00067; gnomAD 0.00056 and 0.00059.
gnomAD v4.1: 1,047 of 1,613,830 alleles (0.065%); highest among the groups gnomAD compares: Non-Finnish European, 0.072%; 4 homozygotes.

Submissions (7):

Labcorp Genetics (formerly Invitae), Labcorp
Classification: Benign. Last evaluated: 2025-11-30. Review status: criteria provided, single submitter. Criteria: Invitae Variant Classification Sherloc (09022015). Collection method: clinical testing. Allele origin: germline.

Mayo Clinic Laboratories, Mayo Clinic
Classification: Likely benign. Last evaluated: 2025-09-08. Review status: criteria provided, single submitter. Criteria: ACMG Guidelines, 2015. Collection method: clinical testing. Allele origin: germline. Observed: 1 variant allele.
Comment: BS1, BP4_moderate

Blueprint Genetics
Classification: Likely benign. Last evaluated: 2024-11-07. Review status: criteria provided, single submitter. Criteria: ACMG Guidelines, 2015. Collection method: clinical testing. Allele origin: germline.

CeGaT Center for Human Genetics Tuebingen
Classification: Likely benign. Last evaluated: 2024-10-01. Review status: criteria provided, single submitter. Criteria: CeGaT Center For Human Genetics Tuebingen Variant Classification Criteria Version 2. Collection method: clinical testing. Allele origin: germline. Affected: yes. Observed: 3 variant alleles.
Comment: LAMA1: BP4, BS2

PreventionGenetics, part of Exact Sciences
Classification: Likely benign for LAMA1-related condition. Last evaluated: 2023-04-05. Review status: no assertion criteria provided. Collection method: clinical testing. Allele origin: germline. Not counted in ClinVar's aggregate classification.
Comment: This variant is classified as likely benign based on ACMG/AMP sequence variant interpretation guidelines (Richards et al. 2015 PMID: 25741868, with internal and published modifications).

Clinical Genetics DNA and cytogenetics Diagnostics Lab, Erasmus MC, Erasmus Medical Center
Classification: Likely benign. Review status: no assertion criteria provided. Collection method: clinical testing. Allele origin: germline. Affected: yes. Study: VKGL Data-share Consensus. Not counted in ClinVar's aggregate classification.

Laboratory of Diagnostic Genome Analysis, Leiden University Medical Center (LUMC)
Classification: Likely benign. Review status: no assertion criteria provided. Collection method: clinical testing. Allele origin: germline. Affected: yes. Study: VKGL Data-share Consensus. Not counted in ClinVar's aggregate classification.

NM_005559.4(LAMA1):c.3145G>A (p.Val1049Met)

Gene: LAMA1 (laminin subunit alpha 1; minus strand). Cytogenetic location: 18p11.31.
Variant type: single nucleotide variant.
Coding change: c.3145G>A on transcript NM_005559.4 (MANE Select); coding-DNA position 3145, G replaced by A.
Protein change: p.Val1049Met; replaces valine 1049 with methionine.
Molecular consequence: missense variant.
Genome position (GRCh38, 1-based): chr18:7,014,033, C>T on the plus strand (G>A on the coding strand, the complement: LAMA1 is on the minus strand). VCF-style: chr18-7014033-C-T. GRCh37 (hg19) VCF-style: chr18-7014032-C-T.
Other names: p.Val1049Met; c.3145G>A (NM_005559.3); short protein forms V1049M.
Identifiers: ClinVar variation 1206246 (VCV001206246.34), dbSNP rs138476816, ClinGen allele CA8882377.